The following is an entry in ClinVar:

NM_001077418.3(TMEM231):c.479A>G (p.Gln160Arg)

Gene: TMEM231 (transmembrane protein 231; minus strand). Cytogenetic location: 16q23.1.
Variant type: single nucleotide variant.
Coding change: c.479A>G on transcript NM_001077418.3 (MANE Select); coding-DNA position 479, A replaced by G.
Protein change: p.Gln160Arg; replaces glutamine 160 with arginine.
Molecular consequence: missense variant. On other transcripts: non-coding transcript variant (1).
Genome position (GRCh38, 1-based): chr16:75,545,455, T>C on the plus strand (A>G on the coding strand, the complement: TMEM231 is on the minus strand). VCF-style: chr16-75545455-T-C. GRCh37 (hg19) VCF-style: chr16-75579353-T-C.
Other names: c.638A>G, p.Gln213Arg (NM_001077416.2); short protein forms Q160R, Q213R.
Identifiers: ClinVar variation 1348205 (VCV001348205.6), dbSNP rs2080678228, ClinGen allele CA396806802.

ClinVar aggregate classification (germline): Uncertain significance (1 of 4 stars; one submission).

Conditions:
Joubert syndrome 20 (JBTS20). Identifiers: Orphanet 475, MedGen C3554235, MONDO:0013994, OMIM 614970.
Meckel syndrome, type 11 (MKS11). Identifiers: Orphanet 564, MedGen C3809352, MONDO:0014164, OMIM 615397.

Submission:

Labcorp Genetics (formerly Invitae), Labcorp
Classification: Uncertain significance for Joubert syndrome 20; Meckel syndrome, type 11. Last evaluated: 2022-03-09. Review status: criteria provided, single submitter. Criteria: Invitae Variant Classification Sherloc (09022015). Collection method: clinical testing. Allele origin: germline.
Comment: In summary, the available evidence is currently insufficient to determine the role of this variant in disease. Therefore, it has been classified as a Variant of Uncertain Significance. Algorithms developed to predict the effect of missense changes on protein structure and function are either unavailable or do not agree on the potential impact of this missense change (SIFT: "Tolerated"; PolyPhen-2: "Not Available"; Align-GVGD: "Class C0"). This variant has not been reported in the literature in individuals affected with TMEM231-related conditions. This variant is not present in population databases (gnomAD no frequency). This sequence change replaces glutamine, which is neutral and polar, with arginine, which is basic and polar, at codon 213 of the TMEM231 protein (p.Gln213Arg).